The following is an entry in ClinVar:

NM_005219.5(DIAPH1):c.2141C>T (p.Pro714Leu)

Gene: DIAPH1 (diaphanous related formin 1; minus strand). Cytogenetic location: 5q31.3.
Variant type: single nucleotide variant.
Coding change: c.2141C>T on transcript NM_005219.5 (MANE Select); coding-DNA position 2141, C replaced by T.
Protein change: p.Pro714Leu; replaces proline 714 with leucine.
Molecular consequence: missense variant.
Genome position (GRCh38, 1-based): chr5:141,573,709, G>A on the plus strand (C>T on the coding strand, the complement: DIAPH1 is on the minus strand). VCF-style: chr5-141573709-G-A. GRCh37 (hg19) VCF-style: chr5-140953276-G-A.
Other names: c.2114C>T, p.Pro705Leu (NM_001079812.3); c.2141C>T, p.Pro714Leu (NM_001314007.2); short protein forms P714L, P705L.
Identifiers: ClinVar variation 659806 (VCV000659806.14), dbSNP rs760797227, ClinGen allele CA3479149.

ClinVar aggregate classification (germline): Uncertain significance. Review status: criteria provided, multiple submitters, no conflicts (2 of 4 stars). 3 submissions from 3 submitters: Uncertain significance (2). 1 of the submissions does not count toward it. Last evaluated 2025-01-16.

Conditions:
DIAPH1-related disorder. Also called: DIAPH1-related condition.
Autosomal dominant nonsyndromic hearing loss 1. Also called: KONIGSMARK SYNDROME; DEAFNESS, AUTOSOMAL DOMINANT 1, WITH OR WITHOUT THROMBOCYTOPENIA. Identifiers: Orphanet 90635, MedGen C1852282, MONDO:0007424, OMIM 124900.
Progressive microcephaly-seizures-cortical blindness-developmental delay syndrome. Also called: Seizures, cortical blindness, and microcephaly syndrome. Identifiers: Orphanet 477814, MedGen C5567650, MONDO:0014714, OMIM 616632.
Inborn genetic diseases. Identifiers: MedGen C0950123, MeSH D030342.

Allele frequency attached by ClinVar (database versions not stated): gnomAD exomes 0.00008 and 0.00002; ExAC 0.00001; gnomAD 0.00003; TOPMed 0.00005.
gnomAD v4.1: 131 of 1,593,054 alleles (0.0082%); highest among the groups gnomAD compares: Non-Finnish European, 0.0099%; no homozygotes.

Submissions (3):

Labcorp Genetics (formerly Invitae), Labcorp
Classification: Uncertain significance for Progressive microcephaly-seizures-cortical blindness-developmental delay syndrome; Autosomal dominant nonsyndromic hearing loss 1. Last evaluated: 2025-01-16. Review status: criteria provided, single submitter. Criteria: Invitae Variant Classification Sherloc (09022015). Collection method: clinical testing. Allele origin: germline.
Comment: This sequence change replaces proline, which is neutral and non-polar, with leucine, which is neutral and non-polar, at codon 714 of the DIAPH1 protein (p.Pro714Leu). This variant is present in population databases (rs760797227, gnomAD 0.003%). This variant has not been reported in the literature in individuals affected with DIAPH1-related conditions. ClinVar contains an entry for this variant (Variation ID: 659806). An algorithm developed to predict the effect of missense changes on protein structure and function outputs the following: PolyPhen-2: "Not Available". The leucine amino acid residue is found in multiple mammalian species, which suggests that this missense change does not adversely affect protein function. In summary, the available evidence is currently insufficient to determine the role of this variant in disease. Therefore, it has been classified as a Variant of Uncertain Significance.

Ambry Genetics
Classification: Uncertain significance for Inborn genetic diseases. Last evaluated: 2024-11-15. Review status: criteria provided, single submitter. Criteria: Ambry Variant Classification Scheme 2023. Collection method: clinical testing. Allele origin: germline.

PreventionGenetics, part of Exact Sciences
Classification: Uncertain significance for DIAPH1-related condition. Last evaluated: 2023-12-19. Review status: no assertion criteria provided. Collection method: clinical testing. Allele origin: germline. Not counted in ClinVar's aggregate classification.
Comment: The DIAPH1 c.2141C>T variant is predicted to result in the amino acid substitution p.Pro714Leu. To our knowledge, this variant has not been reported in the literature. This variant is reported in 0.0038% of alleles in individuals of European (Non-Finnish) descent in gnomAD. At this time, the clinical significance of this variant is uncertain due to the absence of conclusive functional and genetic evidence.